The following is an entry in ClinVar:

ClinVar aggregate classification (germline): Likely pathogenic (1 of 4 stars; one submission).

Conditions:
Charcot-Marie-Tooth disease type 4. Also called: Charcot-Marie-Tooth disease, type IV; Charcot-Marie-Tooth, Type 4. Identifiers: Orphanet 64749, MedGen C4082197, MONDO:0018995.

Submission:

Labcorp Genetics (formerly Invitae), Labcorp
Classification: Likely pathogenic for Charcot-Marie-Tooth disease type 4. Last evaluated: 2024-09-30. Review status: criteria provided, single submitter. Criteria: Invitae Variant Classification Sherloc (09022015). Collection method: clinical testing. Allele origin: germline.
Comment: This sequence change affects a donor splice site in intron 5 of the NDRG1 gene. It is expected to disrupt RNA splicing. Variants that disrupt the donor or acceptor splice site typically lead to a loss of protein function (PMID: 16199547), and loss-of-function variants in NDRG1 are known to be pathogenic (PMID: 12872253, 23996628). This variant is not present in population databases (gnomAD no frequency). This variant has not been reported in the literature in individuals affected with NDRG1-related conditions. ClinVar contains an entry for this variant (Variation ID: 652680). Algorithms developed to predict the effect of sequence changes on RNA splicing suggest that this variant may disrupt the consensus splice site. In summary, the currently available evidence indicates that the variant is pathogenic, but additional data are needed to prove that conclusively. Therefore, this variant has been classified as Likely Pathogenic.

Literature cited by the submitters: PubMed 16199547; PubMed 12872253; PubMed 23996628.

NM_006096.4(NDRG1):c.326+1G>A

Gene: NDRG1 (N-myc downstream regulated 1; minus strand). Cytogenetic location: 8q24.22.
Variant type: single nucleotide variant.
Coding change: c.326+1G>A on transcript NM_006096.4 (MANE Select); the canonical splice donor site of the intron after coding-DNA position 326, G replaced by A.
Molecular consequence: splice donor variant.
Genome position (GRCh38, 1-based): chr8:133,262,046, C>T on the plus strand (G>A on the coding strand, the complement: NDRG1 is on the minus strand). VCF-style: chr8-133262046-C-T. GRCh37 (hg19) VCF-style: chr8-134274289-C-T.
Other names: c.128+1G>A (NM_001258432.2, NM_001374847.1); c.83+1G>A (NM_001258433.2); c.326+1G>A (NM_001374844.1, NM_001135242.2, NM_001374845.1 and 1 more transcripts).
Identifiers: ClinVar variation 652680 (VCV000652680.7), dbSNP rs1586446057, ClinGen allele CA372256131.